The following is an entry in ClinVar:

ClinVar aggregate classification (germline): Uncertain significance (1 of 4 stars; one submission).

Conditions:
Familial thoracic aortic aneurysm and aortic dissection (TAAD). Also called: Thoracic aortic aneurysms and dissections. Identifiers: Orphanet 91387, MedGen C4707243, MONDO:0019625.

Submission:

Ambry Genetics
Classification: Uncertain significance for Familial thoracic aortic aneurysm and aortic dissection. Last evaluated: 2026-08-29. Review status: criteria provided, single submitter. Criteria: Ambry Variant Classification Scheme 2023. Collection method: clinical testing. Allele origin: germline.
Comment: The p.Q801H variant (also known as c.2403G>T), located in coding exon 15 of the FLNA gene, results from a G to T substitution at nucleotide position 2403. The glutamine at codon 801 is replaced by histidine, an amino acid with highly similar properties. This amino acid position is conserved. In addition, this alteration is predicted to be tolerated by in silico analysis. Based on the available evidence, the clinical significance of this variant remains unclear.

NM_001110556.2(FLNA):c.2403G>T (p.Gln801His)

Gene: FLNA (filamin A; minus strand). Cytogenetic location: Xq28.
Variant type: single nucleotide variant.
Coding change: c.2403G>T on transcript NM_001110556.2 (MANE Select); coding-DNA position 2403, G replaced by T.
Protein change: p.Gln801His; replaces glutamine 801 with histidine.
Molecular consequence: missense variant.
Genome position (GRCh38, 1-based): chrX:154,362,662, C>A on the plus strand (G>T on the coding strand, the complement: FLNA is on the minus strand). VCF-style: chrX-154362662-C-A. GRCh37 (hg19) VCF-style: chrX-153591030-C-A.
Other names: c.2403G>T, p.Gln801His (NM_001456.4); short protein forms Q801H.
Identifiers: ClinVar variation 5021919 (VCV005021919.1).